The following is an entry in ClinVar:

ClinVar aggregate classification (germline): Pathogenic (1 of 4 stars; one submission).

Submission:

GeneDx
Classification: Pathogenic. Last evaluated: 2026-08-12. Review status: criteria provided, single submitter. Criteria: GeneDx Variant Classification Process June 2021. Collection method: clinical testing. Allele origin: germline.
Comment: Frameshift variant predicted to result in protein truncation or nonsense mediated decay in a gene for which loss of function is a known mechanism of disease; Not observed at significant frequency in large population cohorts (gnomAD); Has not been previously published as pathogenic or benign to our knowledge

NM_003611.3(OFD1):c.2581del (p.Leu861fs)

Gene: OFD1 (OFD1 centriole and centriolar satellite protein; plus strand). Cytogenetic location: Xp22.2.
Variant type: Deletion.
Coding change: c.2581del on transcript NM_003611.3 (MANE Select); coding-DNA position 2581, one base deleted (C; older notation c.2581delC).
Protein change: p.Leu861fs; shifts the reading frame from leucine 861.
Molecular consequence: frameshift variant.
Genome position (GRCh38, 1-based): chrX:13,763,837, C deleted; the last of 4 consecutive C bases (chrX:13,763,834-13,763,837); deleting any one gives the same sequence. VCF-style (leftmost placement, unchanged base first): chrX-13763833-GC-G. GRCh37 (hg19) VCF-style: chrX-13781952-GC-G.
Other names: c.2461del, p.Leu821fs (NM_001330209.2); c.2161del, p.Leu721fs (NM_001330210.2); short protein forms L721fs, L821fs, L861fs.
Identifiers: ClinVar variation 3767650 (VCV003767650.2).